The following is an entry in ClinVar:

ClinVar aggregate classification (germline): Uncertain significance (1 of 4 stars; one submission).

Submission:

Labcorp Genetics (formerly Invitae), Labcorp
Classification: Uncertain significance. Last evaluated: 2025-05-21. Review status: criteria provided, single submitter. Criteria: Invitae Variant Classification Sherloc (09022015). Collection method: clinical testing. Allele origin: germline.
Comment: This sequence change replaces methionine, which is neutral and non-polar, with valine, which is neutral and non-polar, at codon 1540 of the POLR1A protein (p.Met1540Val). This variant is not present in population databases (gnomAD no frequency). This variant has not been reported in the literature in individuals affected with POLR1A-related conditions. ClinVar contains an entry for this variant (Variation ID: 1467350). Invitae Evidence Modeling of protein sequence and biophysical properties (such as structural, functional, and spatial information, amino acid conservation, physicochemical variation, residue mobility, and thermodynamic stability) indicates that this missense variant is not expected to disrupt POLR1A protein function with a negative predictive value of 80%. In summary, the available evidence is currently insufficient to determine the role of this variant in disease. Therefore, it has been classified as a Variant of Uncertain Significance.

NM_015425.6(POLR1A):c.4618A>G (p.Met1540Val)

Gene: POLR1A (RNA polymerase I subunit A; minus strand). Cytogenetic location: 2p11.2.
Variant type: single nucleotide variant.
Coding change: c.4618A>G on transcript NM_015425.6 (MANE Select); coding-DNA position 4618, A replaced by G.
Protein change: p.Met1540Val; replaces methionine 1540 with valine.
Molecular consequence: missense variant.
Genome position (GRCh38, 1-based): chr2:86,030,357, T>C on the plus strand (A>G on the coding strand, the complement: POLR1A is on the minus strand). VCF-style: chr2-86030357-T-C. GRCh37 (hg19) VCF-style: chr2-86257480-T-C.
Other names: short protein forms M1540V.
Identifiers: ClinVar variation 1467350 (VCV001467350.6), dbSNP rs1672363039, ClinGen allele CA347545576.